The following is an entry in ClinVar:

ClinVar aggregate classification (germline): Likely benign. Review status: criteria provided, multiple submitters, no conflicts (2 of 4 stars). 3 submissions from 3 submitters: Likely benign (3). Last evaluated 2025-12-17.

Conditions:
DYNC1H1-related disorder. Also called: DYNC1H1-related condition; DYNC1H1-related disorders. Identifiers: MedGen CN381529.
Inborn genetic diseases. Identifiers: MedGen C0950123, MeSH D030342.
Charcot-Marie-Tooth disease axonal type 2O. Also called: Charcot-Marie-Tooth disease, axonal, type 20; Charcot-Marie-Tooth Neuropathy Type 2O; CHARCOT-MARIE-TOOTH NEUROPATHY, AXONAL, TYPE 2O; CHARCOT-MARIE-TOOTH DISEASE, AXONAL, AUTOSOMAL DOMINANT, TYPE 2O. Identifiers: Orphanet 284232, MedGen C3280220, MONDO:0013644, OMIM 614228.

Allele frequency attached by ClinVar (database versions not stated): gnomAD exomes 0.00006 and 0.00012; ESP Exome Variant Server 0.00008; ExAC 0.00010; gnomAD 0.00010 and 0.00011; TOPMed 0.00010.
gnomAD v4.1: 114 of 1,611,794 alleles (0.0071%); highest among the groups gnomAD compares: Non-Finnish European, 0.0013%; no homozygotes.

Submissions (3):

Labcorp Genetics (formerly Invitae), Labcorp
Classification: Likely benign for Charcot-Marie-Tooth disease axonal type 2O. Last evaluated: 2025-12-17. Review status: criteria provided, single submitter. Criteria: Invitae Variant Classification Sherloc (09022015). Collection method: clinical testing. Allele origin: germline.

PreventionGenetics, part of Exact Sciences
Classification: Likely benign for DYNC1H1-related condition. Last evaluated: 2025-09-16. Review status: criteria provided, single submitter. Criteria: ACMG Guidelines, 2015. Collection method: clinical testing. Allele origin: germline.
Comment: This variant is classified as likely benign based on ACMG/AMP sequence variant interpretation guidelines (Richards et al. 2015 PMID: 25741868, with internal and published modifications).

Ambry Genetics
Classification: Likely benign for Inborn genetic diseases. Last evaluated: 2021-11-22. Review status: criteria provided, single submitter. Criteria: Ambry Variant Classification Scheme 2023. Collection method: clinical testing. Allele origin: germline.

NM_001376.5(DYNC1H1):c.13192C>T (p.Leu4398Phe)

Gene: DYNC1H1 (dynein cytoplasmic 1 heavy chain 1; plus strand). Cytogenetic location: 14q32.31.
Variant type: single nucleotide variant.
Coding change: c.13192C>T on transcript NM_001376.5 (MANE Select); coding-DNA position 13192, C replaced by T.
Protein change: p.Leu4398Phe; replaces leucine 4398 with phenylalanine.
Molecular consequence: missense variant.
Genome position (GRCh38, 1-based): chr14:102,048,002, C>T. VCF-style: chr14-102048002-C-T. GRCh37 (hg19) VCF-style: chr14-102514339-C-T.
Other names: short protein forms L4398F.
Identifiers: ClinVar variation 408972 (VCV000408972.14), dbSNP rs144570049, ClinGen allele CA7354164.